The following is an entry in ClinVar:

ClinVar aggregate classification (germline): Uncertain significance. Review status: criteria provided, multiple submitters, no conflicts (2 of 4 stars). 2 submissions from 2 submitters: Uncertain significance (2). Last evaluated 2025-08-02.

Conditions:
Acute myeloid leukemia (AML). Also called: Acute myeloid leukemia, adult; AML adult; Acute non-lymphocytic leukemia; Acute granulocytic leukemia; Leukemia, acute myeloid, somatic; Leukemia, acute myelogenous, somatic. Identifiers: Orphanet 519, MedGen C0023467, MeSH D015470, MONDO:0018874, OMIM 601626, HP:0004808. Disease mechanism: Constitutively activated FLT3.
Inborn genetic diseases. Identifiers: MedGen C0950123, MeSH D030342.

Submissions (2):

Ambry Genetics
Classification: Uncertain significance for Inborn genetic diseases. Last evaluated: 2025-08-02. Review status: criteria provided, single submitter. Criteria: Ambry Variant Classification Scheme 2023. Collection method: clinical testing. Allele origin: germline.
Comment: The p.H125Q variant (also known as c.375C>A), located in coding exon 1 of the CEBPA gene, results from a C to A substitution at nucleotide position 375. The histidine at codon 125 is replaced by glutamine, an amino acid with highly similar properties. This amino acid position is conserved. In addition, this alteration is predicted to be tolerated by in silico analysis. Based on the available evidence, the clinical significance of this variant remains unclear.

Labcorp Genetics (formerly Invitae), Labcorp
Classification: Uncertain significance for Acute myeloid leukemia. Last evaluated: 2023-06-30. Review status: criteria provided, single submitter. Criteria: Invitae Variant Classification Sherloc (09022015). Collection method: clinical testing. Allele origin: germline.
Comment: This sequence change replaces histidine, which is basic and polar, with glutamine, which is neutral and polar, at codon 125 of the CEBPA protein (p.His125Gln). The frequency data for this variant in the population databases is considered unreliable, as metrics indicate insufficient coverage at this position in the gnomAD database. This variant has not been reported in the literature in individuals affected with CEBPA-related conditions. Advanced modeling of protein sequence and biophysical properties (such as structural, functional, and spatial information, amino acid conservation, physicochemical variation, residue mobility, and thermodynamic stability) performed at Invitae indicates that this missense variant is not expected to disrupt CEBPA protein function. In summary, the available evidence is currently insufficient to determine the role of this variant in disease. Therefore, it has been classified as a Variant of Uncertain Significance.

NM_004364.5(CEBPA):c.375C>A (p.His125Gln)

Gene: CEBPA (CCAAT enhancer binding protein alpha; minus strand). Cytogenetic location: 19q13.11.
Variant type: single nucleotide variant.
Coding change: c.375C>A on transcript NM_004364.5 (MANE Select); coding-DNA position 375, C replaced by A.
Protein change: p.His125Gln; replaces histidine 125 with glutamine.
Molecular consequence: missense variant.
Genome position (GRCh38, 1-based): chr19:33,302,040, G>T on the plus strand (C>A on the coding strand, the complement: CEBPA is on the minus strand). VCF-style: chr19-33302040-G-T. GRCh37 (hg19) VCF-style: chr19-33792946-G-T.
Other names: c.18C>A, p.His6Gln (NM_001285829.2); c.480C>A, p.His160Gln (NM_001287424.2); c.333C>A, p.His111Gln (NM_001287435.2); short protein forms H111Q, H160Q, H125Q, H6Q.
Identifiers: ClinVar variation 2725847 (VCV002725847.4), dbSNP rs1365012932, ClinGen allele CA405275084.